The following is an entry in ClinVar:

NM_198578.4(LRRK2):c.2467C>G (p.Pro823Ala)

Gene: LRRK2 (leucine rich repeat kinase 2; plus strand). Cytogenetic location: 12q12.
Variant type: single nucleotide variant.
Coding change: c.2467C>G on transcript NM_198578.4 (MANE Select); coding-DNA position 2467, C replaced by G.
Protein change: p.Pro823Ala; replaces proline 823 with alanine.
Molecular consequence: missense variant.
Genome position (GRCh38, 1-based): chr12:40,284,100, C>G. VCF-style: chr12-40284100-C-G. GRCh37 (hg19) VCF-style: chr12-40677902-C-G.
Other names: short protein forms P823A.
Identifiers: ClinVar variation 2567319 (VCV002567319.2), dbSNP rs1943816450, ClinGen allele CA384407492.
Genomic context (GRCh38, chr12:40,284,100, plus strand): 5'-ATTTGCCTTGGAGGATTTTGTATAGGAAAAGTTGAACCTTCTTGGCTTGGTCCTTTATTT[C>G]CAGATAAGACTTCTAATTTAAGGAAACAAACAAGTAAGTAACAAGGAGAATATTTTTTAC-3'
Protein context (NP_940980.4, residues 813-833): VEPSWLGPLF[Pro823Ala]DKTSNLRKQT

ClinVar aggregate classification (germline): Uncertain significance (1 of 4 stars; one submission).

Conditions:
Inborn genetic diseases. Identifiers: MedGen C0950123, MeSH D030342.

Allele frequency attached by ClinVar (database versions not stated): gnomAD exomes below 0.00001.
gnomAD v4.1: 2 of 1,611,414 alleles (0.00012%); highest among the groups gnomAD compares: Middle Eastern, 0.033%; no homozygotes.

Submission:

Ambry Genetics
Classification: Uncertain significance for Inborn genetic diseases. Last evaluated: 2023-03-17. Review status: criteria provided, single submitter. Criteria: Ambry Variant Classification Scheme 2023. Collection method: clinical testing. Allele origin: germline.
Comment: The p.P823A variant (also known as c.2467C>G), located in coding exon 19 of the LRRK2 gene, results from a C to G substitution at nucleotide position 2467. The proline at codon 823 is replaced by alanine, an amino acid with highly similar properties. This amino acid position is conserved. In addition, the in silico prediction for this alteration is inconclusive. Since supporting evidence is limited at this time, the clinical significance of this alteration remains unclear.